The following is an entry in ClinVar:

ClinVar aggregate classification (germline): Likely benign (1 of 4 stars; one submission).

Allele frequency attached by ClinVar (database versions not stated): ExAC 0.00001; gnomAD 0.00001; gnomAD exomes 0.00001; TOPMed 0.00001.
gnomAD v4.1: 5 of 1,612,344 alleles (0.00031%); highest among the groups gnomAD compares: Middle Eastern, 0.066%; no homozygotes.

Submission:

CeGaT Center for Human Genetics Tuebingen
Classification: Likely benign. Last evaluated: 2022-12-01. Review status: criteria provided, single submitter. Criteria: CeGaT Center For Human Genetics Tuebingen Variant Classification Criteria Version 2. Collection method: clinical testing. Allele origin: germline. Affected: yes. Observed: 1 variant allele.
Comment: MIOS: BP4, BP7

NM_019005.4(MIOS):c.2553G>T (p.Val851=)

Gene: MIOS (meiosis regulator for oocyte development; plus strand). Cytogenetic location: 7p21.3.
Variant type: single nucleotide variant.
Coding change: c.2553G>T on transcript NM_019005.4 (MANE Select); coding-DNA position 2553, G replaced by T.
Protein change: p.Val851=; no amino-acid change (valine 851 retained).
Molecular consequence: synonymous variant. On other transcripts: non-coding transcript variant (1).
Genome position (GRCh38, 1-based): chr7:7,607,017, G>T. VCF-style: chr7-7607017-G-T. GRCh37 (hg19) VCF-style: chr7-7646648-G-T.
Other names: c.2553G>T, p.Val851= (NM_001370076.1, NM_001370077.1, NM_001370080.1); c.2241G>T, p.Val747= (NM_001370078.1).
Identifiers: ClinVar variation 2657320 (VCV002657320.24), dbSNP rs774075805, ClinGen allele CA4160981.